The following is an entry in ClinVar:

NM_000395.3(CSF2RB):c.1124A>G (p.Gln375Arg)

Gene: CSF2RB (colony stimulating factor 2 receptor subunit beta; plus strand). Cytogenetic location: 22q12.3.
Variant type: single nucleotide variant.
Coding change: c.1124A>G on transcript NM_000395.3 (MANE Select); coding-DNA position 1124, A replaced by G.
Protein change: p.Gln375Arg; replaces glutamine 375 with arginine.
Molecular consequence: missense variant.
Genome position (GRCh38, 1-based): chr22:36,932,876, A>G. VCF-style: chr22-36932876-A-G. GRCh37 (hg19) VCF-style: chr22-37328918-A-G.
Other names: c.1142A>G, p.Gln381Arg (NM_001410827.1); short protein forms Q375R, Q381R.
Identifiers: ClinVar variation 2977960 (VCV002977960.3), dbSNP rs2517997370, ClinGen allele CA411408721.
Genomic context (GRCh38, chr22:36,932,876, plus strand): 5'-GCCTGCGCTGGGAAACAATGAAAATGCGATACGAACACATAGACCACACATTTGAGATCC[A>G]GTACAGGAAAGACACGGCCACGTGGAAGGTGAGGGCCTTTGCCCAGGGAGGGGAGAAACA-3'
Protein context (NP_000386.1, residues 365-385): YEHIDHTFEI[Gln375Arg]YRKDTATWKD

ClinVar aggregate classification (germline): Uncertain significance (1 of 4 stars; one submission).

gnomAD v4.1: 1 of 1,614,168 alleles (0.000062%); no homozygotes.

Submission:

Labcorp Genetics (formerly Invitae), Labcorp
Classification: Uncertain significance. Last evaluated: 2023-07-27. Review status: criteria provided, single submitter. Criteria: Invitae Variant Classification Sherloc (09022015). Collection method: clinical testing. Allele origin: germline.
Comment: This variant is not present in population databases (gnomAD no frequency). This sequence change replaces glutamine, which is neutral and polar, with arginine, which is basic and polar, at codon 375 of the CSF2RB protein (p.Gln375Arg). This variant has not been reported in the literature in individuals affected with CSF2RB-related conditions. Advanced modeling of protein sequence and biophysical properties (such as structural, functional, and spatial information, amino acid conservation, physicochemical variation, residue mobility, and thermodynamic stability) performed at Invitae indicates that this missense variant is expected to disrupt CSF2RB protein function. In summary, the available evidence is currently insufficient to determine the role of this variant in disease. Therefore, it has been classified as a Variant of Uncertain Significance.